The following is an entry in ClinVar:

NM_001383.6(DPH1):c.558+4G>C

Gene: DPH1 (diphthamide biosynthesis 1; plus strand). Cytogenetic location: 17p13.3.
Variant type: single nucleotide variant.
Coding change: c.558+4G>C on transcript NM_001383.6 (MANE Select); 4 bases into the intron after coding-DNA position 558, G replaced by C.
Molecular consequence: intron variant.
Genome position (GRCh38, 1-based): chr17:2,036,690, G>C. VCF-style: chr17-2036690-G-C. GRCh37 (hg19) VCF-style: chr17-1939984-G-C.
Other names: c.573+4G>C (NM_001346574.1); c.540+37G>C (NM_001346575.1); c.153+4G>C (NM_001346576.2).
Identifiers: ClinVar variation 2236712 (VCV002236712.2), dbSNP rs201076922, ClinGen allele CA8277027.

ClinVar aggregate classification (germline): Uncertain significance (1 of 4 stars; one submission).

Conditions:
Inborn genetic diseases. Identifiers: MedGen C0950123, MeSH D030342.

Allele frequency attached by ClinVar (database versions not stated): gnomAD exomes below 0.00001; TOPMed 0.00002; ExAC 0.00004; gnomAD 0.00005; ESP Exome Variant Server 0.00008; 1000 Genomes Project 0.00040; 1000 Genomes Project 30x 0.00047.
gnomAD v4.1: 16 of 1,613,960 alleles (0.00099%); highest among the groups gnomAD compares: Middle Eastern, 0.016%; no homozygotes.

Submission:

Ambry Genetics
Classification: Uncertain significance for Inborn genetic diseases. Last evaluated: 2021-08-26. Review status: criteria provided, single submitter. Criteria: Ambry Variant Classification Scheme 2023. Collection method: clinical testing. Allele origin: germline.
Comment: The c.573+4G>C intronic alteration consists of a G to C substitution 4 nucleotides after exon 5 of the DPH1 gene. Based on insufficient or conflicting evidence, the clinical significance of this alteration remains unclear.